The following is an entry in ClinVar:

NM_001160148.2(DDHD1):c.2257A>G (p.Ile753Val)

Gene: DDHD1 (DDHD domain containing 1; minus strand). Cytogenetic location: 14q22.1.
Variant type: single nucleotide variant.
Coding change: c.2257A>G on transcript NM_001160148.2 (MANE Select); coding-DNA position 2257, A replaced by G.
Protein change: p.Ile753Val; replaces isoleucine 753 with valine.
Molecular consequence: missense variant.
Genome position (GRCh38, 1-based): chr14:53,054,618, T>C on the plus strand (A>G on the coding strand, the complement: DDHD1 is on the minus strand). VCF-style: chr14-53054618-T-C. GRCh37 (hg19) VCF-style: chr14-53521336-T-C.
Other names: c.2278A>G, p.Ile760Val (NM_001160147.2); c.2257A>G, p.Ile753Val (NM_030637.3); short protein forms I760V, I753V.
Identifiers: ClinVar variation 1968438 (VCV001968438.5), dbSNP rs2503046789, ClinGen allele CA389770074.
Genomic context (GRCh38, chr14:53,054,618, plus strand): 5'-ACTGTGTTGTAGATGAACGTCCAAATCTTGAGAACAACATTCCTCCAAGTCCCTTTCCAA[T>C]GCTAGCAGCCCCTGTATTTCACAAAGCAGGGTAGTCATTCTGTTGAATCACACCACACTC-3'
Protein context (NP_001153620.1, residues 743-763): GKASILGAAS[Ile753Val]GKGLGGMLFS

ClinVar aggregate classification (germline): Uncertain significance (1 of 4 stars; one submission).

Conditions:
Hereditary spastic paraplegia 28. Also called: Spastic paraplegia 28, autosomal recessive. Identifiers: Orphanet 101008, MedGen C1836295, MONDO:0012256, OMIM 609340.

Submission:

Labcorp Genetics (formerly Invitae), Labcorp
Classification: Uncertain significance for Hereditary spastic paraplegia 28. Last evaluated: 2022-06-27. Review status: criteria provided, single submitter. Criteria: Invitae Variant Classification Sherloc (09022015). Collection method: clinical testing. Allele origin: germline.
Comment: In summary, the available evidence is currently insufficient to determine the role of this variant in disease. Therefore, it has been classified as a Variant of Uncertain Significance. Algorithms developed to predict the effect of missense changes on protein structure and function are either unavailable or do not agree on the potential impact of this missense change (SIFT: "Tolerated"; PolyPhen-2: "Possibly Damaging"; Align-GVGD: "Class C0"). This variant has not been reported in the literature in individuals affected with DDHD1-related conditions. This variant is not present in population databases (gnomAD no frequency). This sequence change replaces isoleucine, which is neutral and non-polar, with valine, which is neutral and non-polar, at codon 760 of the DDHD1 protein (p.Ile760Val).